The following is an entry in ClinVar:

ClinVar aggregate classification (germline): Uncertain significance (1 of 4 stars; one submission).

Submission:

Labcorp Genetics (formerly Invitae), Labcorp
Classification: Uncertain significance. Last evaluated: 2022-03-11. Review status: criteria provided, single submitter. Criteria: Invitae Variant Classification Sherloc (09022015). Collection method: clinical testing. Allele origin: germline.
Comment: In summary, the available evidence is currently insufficient to determine the role of this variant in disease. Therefore, it has been classified as a Variant of Uncertain Significance. Variants that disrupt the consensus splice site are a relatively common cause of aberrant splicing (PMID: 17576681, 9536098). Algorithms developed to predict the effect of sequence changes on RNA splicing suggest that this variant may create or strengthen a splice site. This variant has not been reported in the literature in individuals affected with CYP27B1-related conditions. This variant is not present in population databases (gnomAD no frequency). This sequence change falls in intron 2 of the CYP27B1 gene. It does not directly change the encoded amino acid sequence of the CYP27B1 protein. It affects a nucleotide within the consensus splice site.

Literature cited by the submitters: PubMed 17576681; PubMed 9536098.

NM_000785.4(CYP27B1):c.386+6T>C

Gene: CYP27B1 (cytochrome P450 family 27 subfamily B member 1; minus strand). Cytogenetic location: 12q14.1.
Variant type: single nucleotide variant.
Coding change: c.386+6T>C on transcript NM_000785.4 (MANE Select); 6 bases into the intron after coding-DNA position 386, T replaced by C.
Molecular consequence: intron variant.
Genome position (GRCh38, 1-based): chr12:57,766,001, A>G on the plus strand (T>C on the coding strand, the complement: CYP27B1 is on the minus strand). VCF-style: chr12-57766001-A-G. GRCh37 (hg19) VCF-style: chr12-58159784-A-G.
Identifiers: ClinVar variation 2109137 (VCV002109137.4), dbSNP rs2540918152, ClinGen allele CA2580086693.